The following is an entry in ClinVar:

NM_001352514.2(HLCS):c.933C>T (p.Ile311=)

Gene: HLCS (holocarboxylase synthetase; minus strand). Cytogenetic location: 21q22.13.
Variant type: single nucleotide variant.
Coding change: c.933C>T on transcript NM_001352514.2 (MANE Select); coding-DNA position 933, C replaced by T.
Protein change: p.Ile311=; no amino-acid change (isoleucine 311 retained).
Molecular consequence: synonymous variant. On other transcripts: non-coding transcript variant (2).
Genome position (GRCh38, 1-based): chr21:36,936,953, G>A on the plus strand (C>T on the coding strand, the complement: HLCS is on the minus strand). VCF-style: chr21-36936953-G-A. GRCh37 (hg19) VCF-style: chr21-38309253-G-A.
Other names: c.492C>T, p.Ile164= (NM_000411.8, NM_001242784.3, NM_001242785.2 and 4 more transcripts).
Identifiers: ClinVar variation 388748 (VCV000388748.4), dbSNP rs1057523220, ClinGen allele CA16608501.

ClinVar aggregate classification (germline): Likely benign. Review status: criteria provided, multiple submitters, no conflicts (2 of 4 stars). 2 submissions from 2 submitters: Likely benign (2). Last evaluated 2023-04-26.

Conditions:
Holocarboxylase synthetase deficiency. Also called: MULTIPLE CARBOXYLASE DEFICIENCY, EARLY ONSET. Identifiers: Orphanet 79242, MedGen C0268581, MONDO:0009666, OMIM 253270.

Submissions (2):

Labcorp Genetics (formerly Invitae), Labcorp
Classification: Likely benign for Holocarboxylase synthetase deficiency. Last evaluated: 2023-04-26. Review status: criteria provided, single submitter. Criteria: Invitae Variant Classification Sherloc (09022015). Collection method: clinical testing. Allele origin: germline.

GeneDx
Classification: Likely benign. Last evaluated: 2016-08-30. Review status: criteria provided, single submitter. Criteria: GeneDx Variant Classification (06012015). Collection method: clinical testing. Allele origin: germline. Affected: yes.
Comment: This variant is considered likely benign or benign based on one or more of the following criteria: it is a conservative change, it occurs at a poorly conserved position in the protein, it is predicted to be benign by multiple in silico algorithms, and/or has population frequency not consistent with disease.